The following is an entry in ClinVar:

ClinVar aggregate classification (germline): Uncertain significance. Review status: criteria provided, multiple submitters, no conflicts (2 of 4 stars). 2 submissions from 2 submitters: Uncertain significance (2). Last evaluated 2022-04-12.

Conditions:
Inborn genetic diseases. Identifiers: MedGen C0950123, MeSH D030342.

Allele frequency attached by ClinVar (database versions not stated): ExAC 0.00001; gnomAD exomes 0.00001 and 0.00004; gnomAD 0.00002 and 0.00003; TOPMed 0.00002.
gnomAD v4.1: 68 of 1,613,706 alleles (0.0042%); highest among the groups gnomAD compares: Middle Eastern, 0.016%; no homozygotes.

Submissions (2):

Ambry Genetics
Classification: Uncertain significance for Inborn genetic diseases. Last evaluated: 2022-04-12. Review status: criteria provided, single submitter. Criteria: Ambry Variant Classification Scheme 2023. Collection method: clinical testing. Allele origin: germline.

Women's Health and Genetics/Laboratory Corporation of America, LabCorp
Classification: Uncertain significance. Last evaluated: 2022-02-18. Review status: criteria provided, single submitter. Criteria: LabCorp Variant Classification Summary - May 2015. Collection method: clinical testing. Allele origin: germline.
Comment: Variant summary: TECPR2 c.3868G>A (p.Val1290Met) results in a conservative amino acid change in the encoded protein sequence. Three of five in-silico tools predict a damaging effect of the variant on protein function. The variant allele was found at a frequency of 8e-06 in 250966 control chromosomes. The available data on variant occurrences in the general population are insufficient to allow any conclusion about variant significance. To our knowledge, no occurrence of c.3868G>A in individuals affected with Hereditary Spastic Paraplegia, Type 49 and no experimental evidence demonstrating its impact on protein function have been reported. No clinical diagnostic laboratories have submitted clinical-significance assessments for this variant to ClinVar after 2014. Based on the evidence outlined above, the variant was classified as uncertain significance.

NM_014844.5(TECPR2):c.3868G>A (p.Val1290Met)

Gene: TECPR2 (tectonin beta-propeller repeat containing 2; plus strand). Cytogenetic location: 14q32.31.
Variant type: single nucleotide variant.
Coding change: c.3868G>A on transcript NM_014844.5 (MANE Select); coding-DNA position 3868, G replaced by A.
Protein change: p.Val1290Met; replaces valine 1290 with methionine.
Molecular consequence: missense variant.
Genome position (GRCh38, 1-based): chr14:102,497,057, G>A. VCF-style: chr14-102497057-G-A. GRCh37 (hg19) VCF-style: chr14-102963394-G-A.
Other names: c.3868G>A (NM_014844.3); short protein forms V1290M.
Identifiers: ClinVar variation 1343657 (VCV001343657.4), dbSNP rs759184941, ClinGen allele CA7358373.